The following is an entry in ClinVar:

NM_001330260.2(SCN8A):c.3148G>A (p.Gly1050Ser)

Gene: SCN8A (sodium voltage-gated channel alpha subunit 8; plus strand). Cytogenetic location: 12q13.13.
Variant type: single nucleotide variant.
Coding change: c.3148G>A on transcript NM_001330260.2 (MANE Select); coding-DNA position 3148, G replaced by A.
Protein change: p.Gly1050Ser; replaces glycine 1050 with serine.
Molecular consequence: missense variant.
Genome position (GRCh38, 1-based): chr12:51,769,111, G>A. VCF-style: chr12-51769111-G-A. GRCh37 (hg19) VCF-style: chr12-52162895-G-A.
Other names: p.G1050S:GGT>AGT; c.3148G>A, p.Gly1050Ser (NM_001177984.3, NM_001369788.1, NM_014191.4); short protein forms G1050S.
Identifiers: ClinVar variation 207142 (VCV000207142.61), dbSNP rs202006479, ClinGen allele CA318321.

ClinVar aggregate classification (germline): Conflicting classifications of pathogenicity. Review status: criteria provided, conflicting classifications (1 of 4 stars). 8 submissions from 8 submitters: Uncertain significance (4); Benign (1); Likely benign (2). 1 of the submissions does not count toward it. Last evaluated 2026-06-18.

Conditions:
Seizures, benign familial infantile, 5 (BFIS5). Also called: CONVULSIONS, BENIGN FAMILIAL INFANTILE, 5. Identifiers: Orphanet 306, MedGen C4310728, MONDO:0014903, OMIM 617080.
SCN8A-related disorder.
Early-infantile DEE. Also called: Ohtahara syndrome; Early infantile epileptic encephalopathy; Early infantile epileptic encephalopathy with suppression bursts. Identifiers: Orphanet 1934, MedGen C0393706, MONDO:0800491.
Inborn genetic diseases. Identifiers: MedGen C0950123, MeSH D030342.

Allele frequency attached by ClinVar (database versions not stated): gnomAD 0.00017; 1000 Genomes Project 0.00020; gnomAD exomes 0.00008 and 0.00010; ExAC 0.00009; TOPMed 0.00015; 1000 Genomes Project 30x 0.00016; ESP Exome Variant Server 0.00016.
gnomAD v4.1: 174 of 1,613,404 alleles (0.011%); highest among the groups gnomAD compares: Admixed American, 0.018%; 1 homozygote.

Submissions (8):

Women's Health and Genetics/Laboratory Corporation of America, LabCorp
Classification: Uncertain significance. Last evaluated: 2026-06-18. Review status: criteria provided, single submitter. Criteria: LabCorp Variant Classification Summary - May 2015. Collection method: clinical testing. Allele origin: germline.
Comment: Variant summary: SCN8A c.3148G>A (p.Gly1050Ser) results in a non-conservative amino acid change in the encoded protein sequence. Algorithms developed to predict the effect of missense changes on protein structure and function all suggest that this variant is likely to be disruptive. This frequency is not significantly higher than estimated for disease-causing variants in SCN8A, allowing no conclusion about variant significance. c.3148G>A has been observed in at least one individual diagnosed with hemiplegic cerebral palsy and intellectual disability, and reported as de novo variant (McMichael_2015, Butler_2016). These reports do not provide unequivocal conclusions about association of the variant with disease. To our knowledge, no experimental evidence demonstrating an impact on protein function has been reported. The following publications have been ascertained in the context of this evaluation (PMID: 27875746, 25666757). ClinVar contains an entry for this variant (Variation ID: 207142). Based on the evidence outlined above, the variant was classified as uncertain significance.

CeGaT Center for Human Genetics Tuebingen
Classification: Uncertain significance. Last evaluated: 2026-02-01. Review status: criteria provided, single submitter. Criteria: CeGaT Center For Human Genetics Tuebingen Variant Classification Criteria Version 2. Collection method: clinical testing. Allele origin: germline. Affected: yes. Observed: 6 variant alleles.

Labcorp Genetics (formerly Invitae), Labcorp
Classification: Benign for Early-infantile DEE. Last evaluated: 2025-10-02. Review status: criteria provided, single submitter. Criteria: Invitae Variant Classification Sherloc (09022015). Collection method: clinical testing. Allele origin: germline.

New York Genome Center
Classification: Uncertain significance for Seizures, benign familial infantile, 5. Last evaluated: 2021-03-05. Review status: criteria provided, single submitter. Criteria: NYGC Assertion Criteria 2020. Collection method: clinical testing. Allele origin: inherited. Observed: 1 heterozygote. Study: CSER-NYCKidSeq.
Comment: The inherited heterozygous c.3148G>A (p.Gly1050Ser) variant identified in the SCN8A gene has been reported in the literature as de novo in a patient affected with hemiplegic cerebral palsy and intellectual disability [2]. The variant has been reported in ClinVar database with conflicting interpretations of pathogenicity [benign (1), likely benign (1), uncertain significance (2). Variation ID:207142]. The variant has 0.0001709 allele frequency in the gnomAD(v3) database (26 out of 152168 heterozygous alleles, no homozygotes) suggesting it is not a common benign variant in the populations represented in that database. The affected residue is evolutionarily conserved and is predicted deleterious by in silico predictiontools [CADD score= 22.5, REVEL score = 0.828]. Based on the available evidence, the inherited heterozygous c.3148G>A (p.Gly1050Ser) variant identified in the SCN8A gene is reported as a variant of uncertainsignificance.

GeneDx
Classification: Likely benign. Last evaluated: 2019-01-21. Review status: criteria provided, single submitter. Criteria: GeneDx Variant Classification Process June 2021. Collection method: clinical testing. Allele origin: germline. Affected: yes.
Comment: This variant is associated with the following publications: (PMID: 27875746, 25666757)

Ambry Genetics
Classification: Likely benign for Inborn genetic diseases. Last evaluated: 2017-10-12. Review status: criteria provided, single submitter. Criteria: Ambry Variant Classification Scheme 2023. Collection method: clinical testing. Allele origin: germline.

Center for Pediatric Genomic Medicine, Children's Mercy Hospital and Clinics
Classification: Uncertain significance. Last evaluated: 2017-05-12. Review status: criteria provided, single submitter. Criteria: ACMG Guidelines, 2015. Collection method: clinical testing. Allele origin: de novo.

PreventionGenetics, part of Exact Sciences
Classification: Likely benign for SCN8A-related condition. Last evaluated: 2022-01-04. Review status: no assertion criteria provided. Collection method: clinical testing. Allele origin: germline. Not counted in ClinVar's aggregate classification.
Comment: This variant is classified as likely benign based on ACMG/AMP sequence variant interpretation guidelines (Richards et al. 2015 PMID: 25741868, with internal and published modifications).

Literature cited by the submitters: PubMed 25666757 (cited by Women's Health and Genetics/Laboratory Corporation of America, LabCorp and Ambry Genetics); PubMed 27875746 (cited by Women's Health and Genetics/Laboratory Corporation of America, LabCorp and Ambry Genetics).